The following is an entry in ClinVar:

NM_000834.5(GRIN2B):c.*1230G>C

Gene: GRIN2B (glutamate ionotropic receptor NMDA type subunit 2B; minus strand). Cytogenetic location: 12p13.1.
Variant type: single nucleotide variant.
Coding change: c.*1230G>C on transcript NM_000834.5 (MANE Select); 1230 bases downstream of the stop codon, G replaced by C.
Molecular consequence: 3 prime UTR variant.
Genome position (GRCh38, 1-based): chr12:13,561,553, C>G on the plus strand (G>C on the coding strand, the complement: GRIN2B is on the minus strand). VCF-style: chr12-13561553-C-G. GRCh37 (hg19) VCF-style: chr12-13714487-C-G.
Identifiers: ClinVar variation 307713 (VCV000307713.36), dbSNP rs151270374, ClinGen allele CA10636841.
Genomic context (GRCh38, chr12:13,561,553, plus strand): 5'-GCCTGCTCGTCTAGCTTCAGGTTAAGTAAGAAGGGATCAAAGCATTGGAAACATCCCCCT[C>G]TCTCACTTACCCTACCATACACGACTCCTTACTTCTTCAAAGGTGGCTTCGTTCTTCCCC-3'

ClinVar aggregate classification (germline): Likely benign (1 of 4 stars; one submission).

Allele frequency attached by ClinVar (database versions not stated): 1000 Genomes Project 30x 0.00078; 1000 Genomes Project 0.00100; gnomAD 0.00147 and 0.00172; TOPMed 0.00179; gnomAD exomes 0.00224.
gnomAD v4.1: 255 of 152,726 alleles (0.17%); highest among the groups gnomAD compares: Middle Eastern, 0.34%; 2 homozygotes.

Submission:

CeGaT Center for Human Genetics Tuebingen
Classification: Likely benign. Last evaluated: 2022-11-01. Review status: criteria provided, single submitter. Criteria: CeGaT Center For Human Genetics Tuebingen Variant Classification Criteria Version 2. Collection method: clinical testing. Allele origin: germline. Affected: yes. Observed: 4 variant alleles.
Comment: GRIN2B: BS1